The following is an entry in ClinVar:

NM_004360.5(CDH1):c.1028T>G (p.Leu343Arg)

Gene: CDH1 (cadherin 1; plus strand). Cytogenetic location: 16q22.1.
Variant type: single nucleotide variant.
Coding change: c.1028T>G on transcript NM_004360.5 (MANE Select); coding-DNA position 1028, T replaced by G.
Protein change: p.Leu343Arg; replaces leucine 343 with arginine.
Molecular consequence: missense variant. On other transcripts: 5 prime UTR variant (2).
Genome position (GRCh38, 1-based): chr16:68,812,154, T>G. VCF-style: chr16-68812154-T-G. GRCh37 (hg19) VCF-style: chr16-68846057-T-G.
Other names: c.1028T>G, p.Leu343Arg (NM_001317184.2); c.-588T>G (NM_001317185.2); c.-792T>G (NM_001317186.2); short protein forms L343R.
Identifiers: ClinVar variation 5033921 (VCV005033921.1).

ClinVar aggregate classification (germline): Uncertain significance (1 of 4 stars; one submission).

Conditions:
Hereditary cancer-predisposing syndrome. Also called: Neoplastic Syndromes, Hereditary; Tumor predisposition; Hereditary neoplastic syndrome; Hereditary Cancer Syndrome. Identifiers: Orphanet 140162, MedGen C0027672, MeSH D009386, MONDO:0015356.

Submission:

Ambry Genetics
Classification: Uncertain significance for Hereditary cancer-predisposing syndrome. Last evaluated: 2026-07-06. Review status: criteria provided, single submitter. Criteria: Ambry Variant Classification Scheme 2023. Collection method: clinical testing. Allele origin: germline.
Comment: The p.L343R variant (also known as c.1028T>G), located in coding exon 8 of the CDH1 gene, results from a T to G substitution at nucleotide position 1028. The leucine at codon 343 is replaced by arginine, an amino acid with dissimilar properties. This amino acid position is conserved. In addition, this alteration is predicted to be deleterious by in silico analysis. Based on the available evidence, the clinical significance of this variant remains unclear.